The following is an entry in ClinVar:

ClinVar aggregate classification (germline): Pathogenic. Review status: criteria provided, multiple submitters, no conflicts (2 of 4 stars). 7 submissions from 7 submitters: Pathogenic (6). 1 of the submissions does not count toward it. Last evaluated 2025-03-31.

Conditions:
Polycystic kidney disease. Also called: Polycystic kidney dysplasia; Kidney, Polycystic. Identifiers: MedGen C0022680, MeSH D007690, MONDO:0020642, HP:0000113.
Polycystic kidney disease 2 (PKD2). Also called: POLYCYSTIC KIDNEY DISEASE, ADULT, TYPE II; Polycystic Kidney Disease 2, Autosomal Dominant; POLYCYSTIC KIDNEY DISEASE 2 WITH OR WITHOUT POLYCYSTIC LIVER DISEASE. Identifiers: MedGen C2751306, MONDO:0013131, OMIM 613095.
Autosomal dominant polycystic kidney disease. Identifiers: Orphanet 730, MedGen C0085413, MONDO:0004691.

Allele frequency attached by ClinVar (database versions not stated): gnomAD exomes below 0.00001.
gnomAD v4.1: 2 of 1,613,408 alleles (0.00012%); highest among the groups gnomAD compares: Non-Finnish European, 0.00017%; no homozygotes.

Submissions (7):

3billion
Classification: Pathogenic for Polycystic kidney disease 2. Last evaluated: 2025-03-31. Review status: criteria provided, single submitter. Criteria: ACMG Guidelines, 2015. Collection method: clinical testing. Allele origin: germline. Affected: yes.

GeneDx
Classification: Pathogenic. Last evaluated: 2025-03-31. Review status: criteria provided, single submitter. Criteria: GeneDx Variant Classification Process June 2021. Collection method: clinical testing. Allele origin: germline.
Comment: Segregates with disease in affected individuals from several unrelated families in published literature (PMID: 29378535, 32970388); of note, one family was also found to have a PKD1 variant co-segregating with disease; Nonsense variant predicted to result in protein truncation or nonsense mediated decay in a gene for which loss of function is a known mechanism of disease; Not observed at significant frequency in large population cohorts (gnomAD); This variant is associated with the following publications: (PMID: 22508176, 33569422, 34101167, 32970388, 34739738, 29378535)

Victorian Clinical Genetics Services, Murdoch Childrens Research Institute
Classification: Pathogenic for Polycystic kidney disease 2. Last evaluated: 2022-02-02. Review status: criteria provided, single submitter. Criteria: ACMG Guidelines, 2015. Collection method: clinical testing. Allele origin: germline. Inheritance: Autosomal dominant inheritance. Affected: yes.
Comment: Based on the classification scheme VCGS_Germline_v1.3.4, this variant is classified as Pathogenic. Following criteria are met: 0102 - Loss of function is a known mechanism of disease in this gene and is associated with polycystic kidney disease 2 (MIM#613095). (I) 0107 - This gene is associated with autosomal dominant disease. (I) 0201 - Variant is predicted to cause nonsense-mediated decay (NMD) and loss of protein (premature termination codon is located at least 54 nucleotides upstream of the final exon-exon junction). (SP) 0251 - This variant is heterozygous. (I) 0301 - Variant is absent from gnomAD (both v2 and v3). (SP) 0701 - Other NMD-predicted variants comparable to the one identified in this case have very strong previous evidence for pathogenicity. There are many likely pathogenic or pathogenic NMD-predicted variants that have been reported (Decipher). (SP) 0801 - This variant has strong previous evidence of pathogenicity in unrelated individuals. This variant has been reported in at least five individuals with polycystic kidney and/or liver disease (ClinVar; PMIDs: 22508176, 29378535, 32970388, 33569422). (SP) 1102 - Strong phenotype match for this individual. (SP) 1208 - Inheritance information for this variant is not currently available in this individual. (I) Legend: (SP) - Supporting pathogenic, (I) - Information, (SB) - Supporting benign

Baylor Genetics
Classification: Pathogenic for Polycystic kidney disease 2. Last evaluated: 2019-10-29. Review status: criteria provided, single submitter. Criteria: ACMG Guidelines, 2015. Collection method: clinical testing. Allele origin: unknown. Affected: yes.
Comment: This variant was determined to be pathogenic according to ACMG Guidelines, 2015 [PMID:25741868].

Labcorp Genetics (formerly Invitae), Labcorp
Classification: Pathogenic for Autosomal dominant polycystic kidney disease. Last evaluated: 2017-02-04. Review status: criteria provided, single submitter. Criteria: Invitae Variant Classification Sherloc (09022015). Collection method: clinical testing. Allele origin: germline.
Comment: This sequence change creates a premature translational stop signal at codon 592 (p.Arg592*) of the PKD2 gene. It is expected to result in an absent or disrupted protein product. For these reasons, this variant has been classified as Pathogenic. Loss-of-function variants in PKD2 are known to be pathogenic. This particular variant has been reported in the literature in two individuals affected with polycystic kidney disease (PMID: 22508176).

Juno Genomics, Hangzhou Juno Genomics, Inc
Classification: Pathogenic for Polycystic kidney disease 2. Review status: criteria provided, single submitter. Criteria: ACMG Guidelines, 2015. Collection method: clinical testing. Allele origin: germline. Affected: yes.
Comment: Absent from controls (or at extremely low frequency if recessive) in Genome Aggregation Database, Exome Sequencing Project, 1000 Genomes Project, or Exome Aggregation Consortium.;Null variant in a gene where loss of function (LOF) is a known mechanism of disease.;The prevalence of the variant in affected individuals is significantly increased compared to the prevalence in controls.;Patient's phenotype or family history is highly specific for a disease with a single genetic etiology.

Department of Pathology and Laboratory Medicine, Sinai Health System
Classification: Pathogenic for Polycystic Kidney disease. Review status: no assertion criteria provided. Collection method: clinical testing. Allele origin: unknown. Affected: yes. Study: The Canadian Open Genetics Repository (COGR). Not counted in ClinVar's aggregate classification.
Comment: The PKD2 p.Arg592X variant was identified in 2 of 1400 proband chromosomes (frequency: 0.0014) from individuals or families with ADPKD (AudrâˆšÂ©zet 2012). The variant was also identified in ADPKD Mutation Database (as definitely pathogenic). The variant was not identified in dbSNP, ClinVar, LOVD 3.0, or PKD1-LOVD databases. The variant was not identified in the 1000 Genomes Project, the NHLBI GO Exome Sequencing Project or the Exome Aggregation Consortium (August 8th 2016) control databases. The p.Arg592X variant leads to a premature stop codon at position 592, which is predicted to lead to a truncated or absent protein and loss of function. Loss of function variants of the PKD2 gene are an established mechanism of disease in ADPKD and is the type of variant expected to cause the disorder. In summary, based on the above information this variant meets our laboratoryâ€šÃ„Ã´s criteria to be classified as pathogenic.

Literature cited by the submitters: PubMed 22508176 (cited by 3 submitters); PubMed 29378535 (cited by Victorian Clinical Genetics Services, Murdoch Childrens Research Institute); PubMed 32970388 (cited by Victorian Clinical Genetics Services, Murdoch Childrens Research Institute); PubMed 33569422 (cited by Victorian Clinical Genetics Services, Murdoch Childrens Research Institute).

NM_000297.4(PKD2):c.1774C>T (p.Arg592Ter)

Gene: PKD2 (polycystin 2, transient receptor potential cation channel; plus strand). Cytogenetic location: 4q22.1.
Variant type: single nucleotide variant.
Coding change: c.1774C>T on transcript NM_000297.4 (MANE Select); coding-DNA position 1774, C replaced by T.
Protein change: p.Arg592Ter; replaces arginine 592 with a stop codon.
Molecular consequence: nonsense. On other transcripts: non-coding transcript variant (1).
Genome position (GRCh38, 1-based): chr4:88,056,143, C>T. VCF-style: chr4-88056143-C-T. GRCh37 (hg19) VCF-style: chr4-88977295-C-T.
Other names: short protein forms R592*.
Identifiers: ClinVar variation 477625 (VCV000477625.18), dbSNP rs1553926905, ClinGen allele CA357622723.